The following is an entry in ClinVar:

NM_000363.5(TNNI3):c.22_23delinsAT (p.Ala8Met)

Gene: TNNI3 (troponin I3, cardiac type; minus strand). Cytogenetic location: 19q13.42.
Variant type: Indel.
Coding change: c.22_23delinsAT on transcript NM_000363.5 (MANE Select); coding-DNA positions 22 to 23, GC replaced by AT.
Protein change: p.Ala8Met; replaces alanine 8 with methionine.
Molecular consequence: missense variant.
Genome position (GRCh38, 1-based): chr19:55,157,297-55,157,298, GC replaced by AT on the plus strand (GC replaced by AT on the coding strand, the reverse complement: TNNI3 is on the minus strand). VCF-style: chr19-55157297-GC-AT. GRCh37 (hg19) VCF-style: chr19-55668665-GC-AT.
Other names: short protein forms A8M.
Identifiers: ClinVar variation 4615119 (VCV004615119.1).

ClinVar aggregate classification (germline): Uncertain significance (1 of 4 stars; one submission).

Conditions:
Cardiovascular phenotype. Identifiers: MedGen CN230736.

Submission:

Ambry Genetics
Classification: Uncertain significance for Cardiovascular phenotype. Last evaluated: 2025-11-24. Review status: criteria provided, single submitter. Criteria: Ambry Variant Classification Scheme 2023. Collection method: clinical testing. Allele origin: germline.
Comment: The c.22_23delGCinsAT variant (also known as p.A8M), located in coding exon 2 of the TNNI3 gene, results from an in-frame deletion of GC and insertion of AT at nucleotide positions 22 to 23. This results in the substitution of the alanine residue for a methionine residue at codon 8, an amino acid with similar properties. This amino acid position is well conserved in available vertebrate species. In addition, this variant is predicted to be neutral by in silico analysis (Choi Y et al. PLoS ONE. 2012; 7(10):e46688). Based on the available evidence, the clinical significance of this variant remains unclear.